The following is an entry in ClinVar:

NM_003458.4(BSN):c.623A>G (p.His208Arg)

Gene: BSN (bassoon presynaptic cytomatrix protein; plus strand). Cytogenetic location: 3p21.31.
Variant type: single nucleotide variant.
Coding change: c.623A>G on transcript NM_003458.4 (MANE Select); coding-DNA position 623, A replaced by G.
Protein change: p.His208Arg; replaces histidine 208 with arginine.
Molecular consequence: missense variant.
Genome position (GRCh38, 1-based): chr3:49,625,373, A>G. VCF-style: chr3-49625373-A-G. GRCh37 (hg19) VCF-style: chr3-49662806-A-G.
Other names: short protein forms H208R.
Identifiers: ClinVar variation 3900269 (VCV003900269.1).
Genomic context (GRCh38, chr3:49,625,373, plus strand): 5'-ACACCTGCACCCAGTGTCACAACAAGGTCTGCAACCAGTGTGGGTTCAACCCCAACCCTC[A>G]TCTCACCCAGGTAACCACTTCTGCGCCGGCTCCCCACTCACCTGCTACCTCATTACCATA-3'
Protein context (NP_003449.2, residues 198-218): CNQCGFNPNP[His208Arg]LTQVKEWLCL

ClinVar aggregate classification (germline): Uncertain significance (1 of 4 stars; one submission).

Submission:

GeneDx
Classification: Uncertain significance. Last evaluated: 2024-08-06. Review status: criteria provided, single submitter. Criteria: GeneDx Variant Classification Process June 2021. Collection method: clinical testing. Allele origin: germline. Affected: yes.
Comment: Not observed at significant frequency in large population cohorts (gnomAD); In silico analysis supports that this missense variant has a deleterious effect on protein structure/function; Has not been previously published as pathogenic or benign to our knowledge; Variants in candidate genes are classified as variants of uncertain significance in accordance with ACMG guidelines (Richards et al., 2015)